The following is an entry in ClinVar:

ClinVar aggregate classification (germline): Uncertain significance. Review status: criteria provided, multiple submitters, no conflicts (2 of 4 stars). 2 submissions from 2 submitters: Uncertain significance (2). Last evaluated 2024-07-09.

Conditions:
Tuberous sclerosis 1 (TSC1). Identifiers: Orphanet 805, MedGen C1854465, MONDO:0008612, OMIM 191100.
Hereditary cancer-predisposing syndrome. Also called: Hereditary Cancer Syndrome; Tumor predisposition; Neoplastic Syndromes, Hereditary; Hereditary neoplastic syndrome. Identifiers: Orphanet 140162, MedGen C0027672, MeSH D009386, MONDO:0015356.

Submissions (2):

Labcorp Genetics (formerly Invitae), Labcorp
Classification: Uncertain significance for Tuberous sclerosis 1. Last evaluated: 2024-07-09. Review status: criteria provided, single submitter. Criteria: Invitae Variant Classification Sherloc (09022015). Collection method: clinical testing. Allele origin: germline.
Comment: This sequence change replaces serine, which is neutral and polar, with asparagine, which is neutral and polar, at codon 671 of the TSC1 protein (p.Ser671Asn). This variant is not present in population databases (gnomAD no frequency). This variant has not been reported in the literature in individuals affected with TSC1-related conditions. Advanced modeling of protein sequence and biophysical properties (such as structural, functional, and spatial information, amino acid conservation, physicochemical variation, residue mobility, and thermodynamic stability) performed at Invitae indicates that this missense variant is not expected to disrupt TSC1 protein function with a negative predictive value of 95%. In summary, the available evidence is currently insufficient to determine the role of this variant in disease. Therefore, it has been classified as a Variant of Uncertain Significance.

Ambry Genetics
Classification: Uncertain significance for Hereditary cancer-predisposing syndrome. Last evaluated: 2024-05-12. Review status: criteria provided, single submitter. Criteria: Ambry Variant Classification Scheme 2023. Collection method: clinical testing. Allele origin: germline.
Comment: The p.S671N variant (also known as c.2012G>A), located in coding exon 14 of the TSC1 gene, results from a G to A substitution at nucleotide position 2012. The serine at codon 671 is replaced by asparagine, an amino acid with highly similar properties. This amino acid position is conserved. In addition, the in silico prediction for this alteration is inconclusive. Based on the available evidence, the clinical significance of this variant remains unclear.

NM_000368.5(TSC1):c.2012G>A (p.Ser671Asn)

Gene: TSC1 (TSC complex subunit 1; minus strand). Cytogenetic location: 9q34.13.
Variant type: single nucleotide variant.
Coding change: c.2012G>A on transcript NM_000368.5 (MANE Select); coding-DNA position 2012, G replaced by A.
Protein change: p.Ser671Asn; replaces serine 671 with asparagine.
Molecular consequence: missense variant. On other transcripts: non-coding transcript variant (5).
Genome position (GRCh38, 1-based): chr9:132,904,440, C>T on the plus strand (G>A on the coding strand, the complement: TSC1 is on the minus strand). VCF-style: chr9-132904440-C-T. GRCh37 (hg19) VCF-style: chr9-135779827-C-T.
Other names: c.1859G>A, p.Ser620Asn (NM_001406610.1, NM_001162427.2); c.1856G>A, p.Ser619Asn (NM_001406611.1, NM_001406612.1, NM_001406613.1); c.1649G>A, p.Ser550Asn (NM_001406614.1, NM_001406615.1, NM_001406616.1 and 5 more transcripts); c.2009G>A, p.Ser670Asn (NM_001162426.2, NM_001406597.1, NM_001406598.1 and 6 more transcripts); c.2012G>A, p.Ser671Asn (NM_001406592.1, NM_001406593.1, NM_001406594.1 and 7 more transcripts); c.1646G>A, p.Ser549Asn (NM_001406620.1, NM_001406621.1, NM_001406622.1 and 2 more transcripts); c.1061G>A, p.Ser354Asn (NM_001406626.1); c.1058G>A, p.Ser353Asn (NM_001406627.1, NM_001406628.1); and 1 more; short protein forms S620N, S550N, S619N, S670N, S320N, S353N, S354N, S549N.
Identifiers: ClinVar variation 3329434 (VCV003329434.3).